The following continues an entry in ClinVar:

NM_007294.4(BRCA1):c.5089T>C (p.Cys1697Arg)

Gene: BRCA1. ClinVar aggregate classification (germline): Pathogenic. Pathogenic (1).

Submissions 8 to 15 of 15:

Quest Diagnostics Nichols Institute San Juan Capistrano
Classification: Likely pathogenic. Last evaluated: 2019-12-01. Review status: criteria provided, single submitter. Criteria: Quest Diagnostics criteria. Collection method: clinical testing. Allele origin: unknown. Not counted in ClinVar's aggregate classification.
Comment: Not found in the total gnomAD dataset, and the data is high quality. Found in at least one patient with expected phenotype for this gene. Predicted to have a damaging effect on the protein. Located in potentially critical domain of the protein. Assessment of experimental evidence suggests this variant results in abnormal protein function.

BRCAlab, Lund University
Classification: Pathogenic for Breast-ovarian cancer, familial, susceptibility to, 1. Last evaluated: 2022-08-26. Review status: no assertion criteria provided. Collection method: clinical testing. Allele origin: germline. Affected: yes. Not counted in ClinVar's aggregate classification.

Sharing Clinical Reports Project (SCRP)
Classification: Uncertain significance for Breast-ovarian cancer, familial 1. Last evaluated: 2013-04-19. Review status: no assertion criteria provided. Collection method: clinical testing. Allele origin: germline. Not counted in ClinVar's aggregate classification.

Breast Cancer Information Core (BIC) (BRCA1)
Classification: Uncertain significance for Breast-ovarian cancer, familial 1. Last evaluated: 1999-04-12. Review status: no assertion criteria provided. Collection method: clinical testing. Allele origin: germline. Affected: yes. Observed: 5 variant alleles. Not counted in ClinVar's aggregate classification.

Brotman Baty Institute, University of Washington
No classification provided (evidence only). Condition: Breast-ovarian cancer, familial 1. Review status: no classification provided. Collection method: in vitro. Allele origin: not applicable. Functional consequence: functionally_abnormal. Not counted in ClinVar's aggregate classification.
ClinVar note: "not provided" was previously submitted as the classification for the variant. However, the classification appeared to be based only on an observation of functional data so it was converted to no classification on 2025-07-30.

Clinical Genetics Laboratory, Department of Pathology, Netherlands Cancer Institute
Classification: Likely pathogenic. Review status: no assertion criteria provided. Collection method: clinical testing. Allele origin: germline. Affected: yes. Study: VKGL Data-share Consensus. Not counted in ClinVar's aggregate classification.

Department of Pathology and Laboratory Medicine, Sinai Health System
Classification: Likely pathogenic for Malignant tumor of breast. Review status: no assertion criteria provided. Collection method: clinical testing. Allele origin: unknown. Affected: yes. Study: The Canadian Open Genetics Repository (COGR). Not counted in ClinVar's aggregate classification.
Comment: The BRCA1 p.Cys1697Arg variant was identified in 9 of 1204 proband chromosomes (frequency 0.007) from Danish and Swedish individuals or families with hereditary breast and/or ovarian cancer, bilateral or multifocal breast cancer, or invasive epithelial ovarian carcinoma, and was not identified in 360 control chromosomes from healthy individuals (Malander_2004_14746861, Thomassen_2008_18465347, Bergthorsson_2001_11389159). It was not identified in the GeneInsight-COGR, COSMIC, MutDB, ARUP Laboratories, or Zhejiang Colon Cancer databases. The variant was identified in dbSNP (ID: rs80356993) as â€šÃ„ÃºWith Likely pathogenic, Uncertain significance alleleâ€šÃ„Ã¹, ClinVar and Clinvitae (1x classified as likely pathogenic by Ambry Genetics; 2x classified as uncertain significance by SCRP and BIC; 1x not classified by Invitae), LOVD 3.0 (10x with multiple functional study citations), UMD-LSDB (predicted to be pathogenic), BIC Database (3 samples recorded with clinical importance classified as unknown) databases. The variant was not identified in the following control databases: the 1000 Genomes Project, the NHLBI GO Exome Sequencing Project, the Exome Aggregation Consortium (August 8th 2016), or the Genome Aggregation Database (Feb 27, 2017). Multiple functional studies have investigated the effect of this variant. Limited proteolysis to determine stability of the protein fold using in vitro transcribed/translated material noted that the C1697R mutant showed a particularly low protein expression level (Lee_2010_20516115). Using yeast and mammalian-based transcription assays this variant displayed loss of transcriptional activity, suggesting that it represents a disease-associated mutation, in agreement with pedigree analysis (Vallon-Christersson_2001_11157798). This study notes that C1697R is a dramatic amino acid substitution, from a non-polar residue capable of forming disulfide linkages to a positively charged residue, located in a critical alpha-helix based on the structure of XRCC1 BRCT, and that this variant was found to segregate with disease in 1 family in the study and 3 other breast cancer patients from another study (Bergthorsson_2001_11389159). In a protease-based assay, substitution of arginine showed increased sensitivity to chymotryptic cleavage at 20Â¬âˆžC, suggesting that destabilizing effects, rather than the introduction of a new trypsin cleavage site, are responsible for the protease sensitivity (Williams_2003_14534301). A peptide-binding assay determined that the variant has a severe folding effect (Williams_2004_15133503). In a study which screened DNA using SSCA and PTT, the BRCA1 construct containing Arg1697 was not able to activate transcription in this system, supporting the classification of C1697R as a pathogenic mutation (Bergthorsson_2001_11389159). The p.Cys1697Arg residue is conserved across mammals and other organisms, and computational analyses (PolyPhen-2, SIFT, AlignGVGD, BLOSUM, MutationTaster) suggest that the variant may impact the protein; however, this information is not predictive enough to assume pathogenicity. The variant occurs outside of the splicing consensus sequence and 1 of 5 in silico or computational prediction software programs (SpliceSiteFinder, MaxEntScan, NNSPLICE, GeneSplicer, HumanSpliceFinder) predict a greater than 10% difference in splicing; this is not very predictive of pathogenicity. In summary, based on the above information the clinical significance of this variant cannot be determined with certainty at this time although we would lean towards a more pathogenic role for this variant. This variant is classified as likely pathogenic.

Diagnostic Laboratory, Department of Genetics, University Medical Center Groningen
Classification: Pathogenic. Review status: no assertion criteria provided. Collection method: clinical testing. Allele origin: germline. Affected: yes. Study: VKGL Data-share Consensus. Not counted in ClinVar's aggregate classification.

Literature cited by the submitters: PubMed 30209399 (cited by 5 submitters); PubMed 30765603 (cited by 3 submitters); PubMed 30257991 (cited by 3 submitters); PubMed 18465347 (cited by 4 submitters); PubMed 11157798 (cited by 3 submitters); PubMed 11389159 (cited by 3 submitters); PubMed 14534301 (cited by 3 submitters); PubMed 14746861 (cited by Ambry Genetics and Quest Diagnostics Nichols Institute San Juan Capistrano); PubMed 15133502 (cited by Ambry Genetics and Quest Diagnostics Nichols Institute San Juan Capistrano); PubMed 16528612 (cited by Ambry Genetics and Quest Diagnostics Nichols Institute San Juan Capistrano); PubMed 17305420 (cited by Ambry Genetics and Quest Diagnostics Nichols Institute San Juan Capistrano); PubMed 21447777 (cited by Ambry Genetics and Quest Diagnostics Nichols Institute San Juan Capistrano); PubMed 24729269 (cited by Ambry Genetics); PubMed 28398198 (cited by Ambry Genetics and Labcorp Genetics (formerly Invitae), Labcorp); PubMed 30415210 (cited by Ambry Genetics and Quest Diagnostics Nichols Institute San Juan Capistrano); PubMed 31131967 (cited by Ambry Genetics); PubMed 31409081 (cited by Ambry Genetics); PubMed 31742824 (cited by Ambry Genetics); PubMed 33471991 (cited by Ambry Genetics); PubMed 36367610 (cited by Ambry Genetics); PubMed 36537080 (cited by Labcorp Genetics (formerly Invitae), Labcorp); PubMed 20516115 (cited by Labcorp Genetics (formerly Invitae), Labcorp and Quest Diagnostics Nichols Institute San Juan Capistrano); PubMed 28781887 (cited by Quest Diagnostics Nichols Institute San Juan Capistrano).